The following is an entry in ClinVar:

NM_033118.4(MYLK2):c.1710+5C>T

Gene: MYLK2 (myosin light chain kinase 2; plus strand). Cytogenetic location: 20q11.21.
Variant type: single nucleotide variant.
Coding change: c.1710+5C>T on transcript NM_033118.4 (MANE Select); 5 bases into the intron after coding-DNA position 1710, C replaced by T.
Molecular consequence: intron variant.
Genome position (GRCh38, 1-based): chr20:31,832,141, C>T. VCF-style: chr20-31832141-C-T. GRCh37 (hg19) VCF-style: chr20-30419944-C-T.
Identifiers: ClinVar variation 516878 (VCV000516878.14), dbSNP rs574644297, ClinGen allele CA9803301.

ClinVar aggregate classification (germline): Conflicting classifications of pathogenicity. Review status: criteria provided, conflicting classifications (1 of 4 stars). 2 submissions from 2 submitters: Uncertain significance (1); Likely benign (1). Last evaluated 2025-01-12.

Conditions:
Hypertrophic cardiomyopathy 1 (CMH1). Also called: MYH7-Related Familial Hypertrophic Cardiomyopathy; Familial hypertrophic cardiomyopathy 1. Identifiers: MedGen C3495498, MONDO:0008647, OMIM 192600.

Allele frequency attached by ClinVar (database versions not stated): gnomAD exomes 0.00001 and 0.00002; ExAC 0.00002; gnomAD 0.00005 and 0.00006; TOPMed 0.00005; 1000 Genomes Project 0.00020; 1000 Genomes Project 30x 0.00031.
gnomAD v4.1: 18 of 1,538,204 alleles (0.0012%); highest among the groups gnomAD compares: African/African-American, 0.012%; no homozygotes.

Submissions (2):

Labcorp Genetics (formerly Invitae), Labcorp
Classification: Uncertain significance for Hypertrophic cardiomyopathy 1. Last evaluated: 2025-01-12. Review status: criteria provided, single submitter. Criteria: Invitae Variant Classification Sherloc (09022015). Collection method: clinical testing. Allele origin: germline.
Comment: This sequence change falls in intron 12 of the MYLK2 gene. It does not directly change the encoded amino acid sequence of the MYLK2 protein. It affects a nucleotide within the consensus splice site. This variant is present in population databases (rs574644297, gnomAD 0.02%). This variant has not been reported in the literature in individuals affected with MYLK2-related conditions. ClinVar contains an entry for this variant (Variation ID: 516878). Variants that disrupt the consensus splice site are a relatively common cause of aberrant splicing (PMID: 17576681, 9536098). Algorithms developed to predict the effect of sequence changes on RNA splicing suggest that this variant is not likely to affect RNA splicing. In summary, the available evidence is currently insufficient to determine the role of this variant in disease. Therefore, it has been classified as a Variant of Uncertain Significance.

GeneDx
Classification: Likely benign. Last evaluated: 2018-11-13. Review status: criteria provided, single submitter. Criteria: GeneDx Variant Classification Process June 2021. Collection method: clinical testing. Allele origin: germline. Affected: yes.

Literature cited by the submitters: PubMed 17576681 (cited by Labcorp Genetics (formerly Invitae), Labcorp); PubMed 9536098 (cited by Labcorp Genetics (formerly Invitae), Labcorp).